The following is an entry in ClinVar:

NM_173630.4(RTTN):c.30C>T (p.Leu10=)

Gene: RTTN (rotatin; minus strand). Cytogenetic location: 18q22.2.
Variant type: single nucleotide variant.
Coding change: c.30C>T on transcript NM_173630.4 (MANE Select); coding-DNA position 30, C replaced by T.
Protein change: p.Leu10=; no amino-acid change (leucine 10 retained).
Molecular consequence: synonymous variant. On other transcripts: 5 prime UTR variant (1).
Genome position (GRCh38, 1-based): chr18:70,205,629, G>A on the plus strand (C>T on the coding strand, the complement: RTTN is on the minus strand). VCF-style: chr18-70205629-G-A. GRCh37 (hg19) VCF-style: chr18-67872865-G-A.
Other names: c.-2524C>T (NM_001318520.2).
Identifiers: ClinVar variation 1935162 (VCV001935162.5), dbSNP rs767295264, ClinGen allele CA8996633.

ClinVar aggregate classification (germline): Uncertain significance (1 of 4 stars; one submission).

gnomAD v4.1: 14 of 1,614,020 alleles (0.00087%); highest among the groups gnomAD compares: Non-Finnish European, 0.0011%; no homozygotes.

Submission:

Labcorp Genetics (formerly Invitae), Labcorp
Classification: Uncertain significance. Last evaluated: 2023-10-03. Review status: criteria provided, single submitter. Criteria: Invitae Variant Classification Sherloc (09022015). Collection method: clinical testing. Allele origin: germline.
Comment: This sequence change affects codon 10 of the RTTN mRNA. It is a 'silent' change, meaning that it does not change the encoded amino acid sequence of the RTTN protein. It affects a nucleotide within the consensus splice site. This variant is present in population databases (rs767295264, gnomAD 0.0009%). This variant has not been reported in the literature in individuals affected with RTTN-related conditions. ClinVar contains an entry for this variant (Variation ID: 1935162). Algorithms developed to predict the effect of sequence changes on RNA splicing suggest that this variant is not likely to affect RNA splicing. In summary, the available evidence is currently insufficient to determine the role of this variant in disease. Therefore, it has been classified as a Variant of Uncertain Significance.